The following is an entry in ClinVar:

NM_001382347.1(MYO5A):c.2012+1G>T

Gene: MYO5A (myosin VA; minus strand). Cytogenetic location: 15q21.2.
Variant type: single nucleotide variant.
Coding change: c.2012+1G>T on transcript NM_001382347.1 (MANE Select); the canonical splice donor site of the intron after coding-DNA position 2012, G replaced by T.
Molecular consequence: splice donor variant.
Genome position (GRCh38, 1-based): chr15:52,383,090, C>A on the plus strand (G>T on the coding strand, the complement: MYO5A is on the minus strand). VCF-style: chr15-52383090-C-A. GRCh37 (hg19) VCF-style: chr15-52675287-C-A.
Other names: c.2012+1G>T (NM_000259.3, NM_001411135.1, NM_001142495.2); c.2084+1G>T (NM_001382349.1, NM_001382348.1).
Identifiers: ClinVar variation 561060 (VCV000561060.2), dbSNP rs769021352, ClinGen allele CA7568832.

ClinVar aggregate classification (germline): Pathogenic (1 of 4 stars; one submission).

Conditions:
Griscelli syndrome type 1 (GS1). Also called: PARTIAL ALBINISM AND PRIMARY NEUROLOGIC DISEASE WITHOUT HEMOPHAGOCYTIC SYNDROME; GRISCELLI SYNDROME WITH NEUROLOGIC IMPAIRMENT; GRISCELLI SYNDROME, CUTANEOUS AND NEUROLOGIC TYPE. Identifiers: Orphanet 381, Orphanet 79476, MedGen C1859194, MONDO:0008962, OMIM 214450.

Allele frequency attached by ClinVar (database versions not stated): gnomAD exomes below 0.00001; ExAC 0.00001.
gnomAD v4.1: 1 of 1,606,786 alleles (0.000062%); highest among the groups gnomAD compares: Admixed American, 0.0017%; no homozygotes.

Submission:

Baylor Genetics
Classification: Pathogenic for Griscelli syndrome type 1. Last evaluated: 2017-09-01. Review status: criteria provided, single submitter. Criteria: ACMG Guidelines, 2015. Collection method: clinical testing. Allele origin: germline. Inheritance: Autosomal recessive inheritance. Affected: yes.

Literature cited by the submitters: PubMed 25326635.